The following is an entry in ClinVar:

NM_000191.3(HMGCL):c.689_697del (p.Leu230_Val232del)

Gene: HMGCL (3-hydroxy-3-methylglutaryl-CoA lyase; minus strand). Cytogenetic location: 1p36.11.
Variant type: Deletion.
Coding change: c.689_697del on transcript NM_000191.3 (MANE Select); coding-DNA positions 689 to 697, 9 bases deleted (TGGCTGTCC; older notation c.689_697delTGGCTGTCC).
Protein change: p.Leu230_Val232del.
Molecular consequence: inframe deletion.
Genome position (GRCh38, 1-based): chr1:23,808,188-23,808,196, GGACAGCCA deleted on the plus strand (TGGCTGTCC on the coding strand, the reverse complement: HMGCL is on the minus strand); deleting any 9 consecutive bases within chr1:23,808,188-23,808,198 gives the same sequence; the c. name uses the placement nearest the transcript's 3' end. VCF-style (leftmost placement, unchanged base first): chr1-23808187-TGGACAGCCA-T. GRCh37 (hg19) VCF-style: chr1-24134677-TGGACAGCCA-T.
Other names: c.476_484del, p.Leu159_Val161del (NM_001166059.2).
Identifiers: ClinVar variation 1305339 (VCV001305339.2), dbSNP rs2148419082, ClinGen allele CA2573051539.

ClinVar aggregate classification (germline): Uncertain significance (1 of 4 stars; one submission).

Submission:

GeneDx
Classification: Uncertain significance. Last evaluated: 2019-04-16. Review status: criteria provided, single submitter. Criteria: GeneDx Variant Classification Process June 2021. Collection method: clinical testing. Allele origin: germline. Affected: yes.
Comment: Not observed in large population cohorts (Lek et al., 2016); In-frame deletion of 3 amino acids in a non-repeat region; In silico analysis, which includes protein predictors and evolutionary conservation, supports a deleterious effect; Has not been previously published as pathogenic or benign to our knowledge